The following is an entry in ClinVar:

NM_014244.5(ADAMTS2):c.373C>T (p.Arg125Trp)

Gene: ADAMTS2 (ADAM metallopeptidase with thrombospondin type 1 motif 2; minus strand). Cytogenetic location: 5q35.3.
Variant type: single nucleotide variant.
Coding change: c.373C>T on transcript NM_014244.5 (MANE Select); coding-DNA position 373, C replaced by T.
Protein change: p.Arg125Trp; replaces arginine 125 with tryptophan.
Molecular consequence: missense variant.
Genome position (GRCh38, 1-based): chr5:179,343,928, G>A on the plus strand (C>T on the coding strand, the complement: ADAMTS2 is on the minus strand). VCF-style: chr5-179343928-G-A. GRCh37 (hg19) VCF-style: chr5-178770929-G-A.
Other names: p.Arg125Trp; c.373C>T, p.Arg125Trp (NM_021599.4); short protein forms R125W.
Identifiers: ClinVar variation 661040 (VCV000661040.7), dbSNP rs535594659, ClinGen allele CA3596337.
Genomic context (GRCh38, chr5:179,343,928, plus strand): 5'-TGCCCTTCTCGCCCTGCCACTCCATAGTGGCCCCGGGCGCCACGAGGCGGGCGTTGGGCC[G>A]CAGCCGCAGGTGCAGGTCTCGGCCAAAGACCGTGACATTGTAGAAGAGGTGACTGCCAGG-3'
Protein context (NP_055059.2, residues 115-135): VFGRDLHLRL[Arg125Trp]PNARLVAPGA

ClinVar aggregate classification (germline): Conflicting classifications of pathogenicity. Review status: criteria provided, conflicting classifications (1 of 4 stars). 4 submissions from 4 submitters: Uncertain significance (1); Likely benign (2). 1 of the submissions does not count toward it. Last evaluated 2026-02-10.

Conditions:
Ehlers-Danlos syndrome, dermatosparaxis type. Also called: Ehlers-Danlos syndrome, type VII, autosomal recessive; Dermatosparaxis; EDS VIIC. Identifiers: Orphanet 1901, MedGen C2700425, MONDO:0009161, OMIM 225410.

Allele frequency attached by ClinVar (database versions not stated): gnomAD exomes 0.00011 and 0.00025; ExAC 0.00031; gnomAD below 0.00001 and 0.00007; TOPMed 0.00001; 1000 Genomes Project 30x 0.00047; 1000 Genomes Project 0.00060.
gnomAD v4.1: 169 of 1,608,236 alleles (0.011%); highest among the groups gnomAD compares: South Asian, 0.18%; 2 homozygotes.

Submissions (4):

Women's Health and Genetics/Laboratory Corporation of America, LabCorp
Classification: Likely benign. Last evaluated: 2026-02-10. Review status: criteria provided, single submitter. Criteria: LabCorp Variant Classification Summary - May 2015. Collection method: clinical testing. Allele origin: germline.
Comment: Variant summary: ADAMTS2 c.373C>T (p.Arg125Trp) results in a non-conservative amino acid change in the encoded protein sequence. Algorithms developed to predict the effect of missense changes on protein structure and function are either unavailable or do not agree on the potential impact of this missense change. The variant allele was found at a frequency of 0.00025 in 231982 control chromosomes, predominantly at a frequency of 0.0019 within the South Asian subpopulation in the gnomAD database. The observed variant frequency within South Asian control individuals in the gnomAD database exceeds the estimated maximal expected allele frequency for disease-causing variants in ADAMTS2. To our knowledge, no occurrence of c.373C>T in individuals affected with ADAMTS2-related conditions and no experimental evidence demonstrating its impact on protein function have been reported. ClinVar contains an entry for this variant (Variation ID: 661040). Based on the evidence outlined above, the variant was classified as likely benign.

Mayo Clinic Laboratories, Mayo Clinic
Classification: Likely benign. Last evaluated: 2025-01-14. Review status: criteria provided, single submitter. Criteria: ACMG Guidelines, 2015. Collection method: clinical testing. Allele origin: germline. Observed: 1 variant allele.
Comment: BS1, BS2_supporting, BP4

Labcorp Genetics (formerly Invitae), Labcorp
Classification: Uncertain significance for Ehlers-Danlos syndrome, dermatosparaxis type. Last evaluated: 2022-07-12. Review status: criteria provided, single submitter. Criteria: Invitae Variant Classification Sherloc (09022015). Collection method: clinical testing. Allele origin: germline.
Comment: This sequence change replaces arginine, which is basic and polar, with tryptophan, which is neutral and slightly polar, at codon 125 of the ADAMTS2 protein (p.Arg125Trp). This variant is present in population databases (rs535594659, gnomAD 0.2%). This variant has not been reported in the literature in individuals affected with ADAMTS2-related conditions. ClinVar contains an entry for this variant (Variation ID: 661040). Algorithms developed to predict the effect of missense changes on protein structure and function are either unavailable or do not agree on the potential impact of this missense change (SIFT: "Deleterious"; PolyPhen-2: "Probably Damaging"; Align-GVGD: "Class C0"). In summary, the available evidence is currently insufficient to determine the role of this variant in disease. Therefore, it has been classified as a Variant of Uncertain Significance.

Natera, Inc.
Classification: Uncertain significance for Ehlers-Danlos syndrome type VIIC. Last evaluated: 2020-04-20. Review status: no assertion criteria provided. Collection method: clinical testing. Allele origin: germline. Not counted in ClinVar's aggregate classification.